The following is an entry in ClinVar:

ClinVar aggregate classification (germline): Uncertain significance (1 of 4 stars; one submission).

Submission:

GeneDx
Classification: Uncertain significance. Last evaluated: 2015-01-09. Review status: criteria provided, single submitter. Criteria: GeneDx Variant Classification (06012015). Collection method: clinical testing. Allele origin: germline. Affected: yes.
Comment: p.Leu331Pro (CTG>CCG): c.992 T>C in exon 4 of the EPM2A gene (NM_005670.3). The L331P variant has not been published as a mutation, nor has it been reported as a benign polymorphism to our knowledge. It was not observed in approximately 6,500 individuals of European and African American ancestry in the NHLBI Exome Sequencing Project, indicating it is not a common benign variant in these populations. The L331P variant is a semi-conservative amino acid substitution, which may impact secondary protein structure as these residues differ in some properties. This substitution occurs at a position that is not conserved across species, and Proline is observed at this position in several other species. In silico analysis is inconsistent in its predictions as to whether or not the variant is damaging to the protein structure/function. Therefore, based on the currently available information, it is unclear whether this variant is a pathogenic mutation or a rare benign variant. The variant is found in EPILEPSY panel(s).

NM_005670.4(EPM2A):c.992T>C (p.Leu331Pro)

Gene: EPM2A (EPM2A glucan phosphatase, laforin; minus strand). Cytogenetic location: 6q24.3.
Variant type: single nucleotide variant.
Coding change: c.992T>C on transcript NM_005670.4 (MANE Select); coding-DNA position 992, T replaced by C.
Protein change: p.Leu331Pro; replaces leucine 331 with proline.
Molecular consequence: missense variant. On other transcripts: 3 prime UTR variant (1), non-coding transcript variant (1), intron variant (1).
Genome position (GRCh38, 1-based): chr6:145,627,420, A>G on the plus strand (T>C on the coding strand, the complement: EPM2A is on the minus strand). VCF-style: chr6-145627420-A-G. GRCh37 (hg19) VCF-style: chr6-145948556-A-G.
Other names: p.L331P:CTG>CCG; c.*75T>C (NM_001360057.2); c.578T>C, p.Leu193Pro (NM_001360064.2, NM_001360071.2, NM_001368131.1); c.530T>C, p.Leu177Pro (NM_001368129.2, NM_001368132.1); c.924+68T>C (NM_001018041.2); short protein forms L331P, L177P, L193P.
Identifiers: ClinVar variation 205448 (VCV000205448.2), dbSNP rs796052437, ClinGen allele CA314527.
Genomic context (GRCh38, chr6:145,627,420, plus strand): 5'-AACATCATCCCAGGCTCCTTAGGGAAATCAGGAGGGGGCAGAAGCAGGCTGACCAGCTAC[A>G]GGCTACACACAGAAGAACGAACCTTCCCAAATTTCTGGAAAAAATCTTCTTGTGCCCGGG-3'
Protein context (NP_005661.1, residues 321-331): FGKVRSSVCS[Leu331Pro]